The following is an entry in ClinVar:

NM_001127208.3(TET2):c.3059del (p.Gln1020fs)

Genes: TET2 (tet methylcytosine dioxygenase 2; plus strand), TET2-AS1 (TET2 antisense RNA 1; minus strand). Cytogenetic location: 4q24.
Variant type: Deletion.
Coding change: c.3059del on transcript NM_001127208.3 (MANE Select); coding-DNA position 3059, one base deleted (A; older notation c.3059delA).
Protein change: p.Gln1020fs; shifts the reading frame from glutamine 1020.
Molecular consequence: frameshift variant.
Genome position (GRCh38, 1-based): chr4:105,237,001, A deleted. VCF-style (leftmost placement, unchanged base first): chr4-105237000-CA-C. GRCh37 (hg19) VCF-style: chr4-106158157-CA-C.
Other names: c.3059del, p.Gln1020fs (NM_017628.4); short protein forms Q1020fs.
Identifiers: ClinVar variation 4725341 (VCV004725341.1).

ClinVar aggregate classification (germline): Pathogenic (1 of 4 stars; one submission).

Submission:

Labcorp Genetics (formerly Invitae), Labcorp
Classification: Pathogenic. Last evaluated: 2025-08-12. Review status: criteria provided, single submitter. Criteria: Invitae Variant Classification Sherloc (09022015). Collection method: clinical testing. Allele origin: germline.
Comment: This sequence change creates a premature translational stop signal (p.Gln1020Argfs*13) in the TET2 gene. It is expected to result in an absent or disrupted protein product. Loss-of-function variants in TET2 are known to be pathogenic (PMID: 36066697). This variant is not present in population databases (gnomAD no frequency). This variant has not been reported in the literature in individuals affected with TET2-related conditions. For these reasons, this variant has been classified as Pathogenic.

Literature cited by the submitters: PubMed 36066697.